The following is an entry in ClinVar:

ClinVar aggregate classification (germline): Uncertain significance (1 of 4 stars; one submission).

Conditions:
Dilated cardiomyopathy 1G (CMD1G). Identifiers: Orphanet 154, MedGen C1858763, MONDO:0011400, OMIM 604145.
Autosomal recessive limb-girdle muscular dystrophy type 2J (LGMDR10). Also called: Limb-girdle muscular dystrophy, type 2J; MUSCULAR DYSTROPHY, LIMB-GIRDLE, AUTOSOMAL RECESSIVE 10. Identifiers: Orphanet 140922, MedGen C1837342, MONDO:0012127, OMIM 608807.

Allele frequency attached by ClinVar (database versions not stated): 1000 Genomes Project 30x 0.00016; 1000 Genomes Project 0.00020.
gnomAD v4.1: 3 of 1,613,944 alleles (0.00019%); highest among the groups gnomAD compares: African/African-American, 0.004%; no homozygotes.

Submission:

Labcorp Genetics (formerly Invitae), Labcorp
Classification: Uncertain significance for Dilated cardiomyopathy 1G; Autosomal recessive limb-girdle muscular dystrophy type 2J. Last evaluated: 2023-03-16. Review status: criteria provided, single submitter. Criteria: Invitae Variant Classification Sherloc (09022015). Collection method: clinical testing. Allele origin: germline.
Comment: In summary, the available evidence is currently insufficient to determine the role of this variant in disease. Therefore, it has been classified as a Variant of Uncertain Significance. This variant is located in the M band of TTN (PMID: 25589632). Variants in this region may be relevant for neuromuscular disorders, but have not been definitively shown to cause cardiomyopathy (PMID: 23975875). Experimental studies and prediction algorithms are not available or were not evaluated, and the functional significance of this variant is currently unknown. This variant has not been reported in the literature in individuals affected with TTN-related conditions. This variant is not present in population databases (gnomAD no frequency). This sequence change replaces valine, which is neutral and non-polar, with leucine, which is neutral and non-polar, at codon 35639 of the TTN protein (p.Val35639Leu).

Literature cited by the submitters: PubMed 25589632; PubMed 23975875.

NM_001267550.2(TTN):c.106915G>C (p.Val35639Leu)

Genes: TTN-AS1 (TTN antisense RNA 1; plus strand), TTN (titin; minus strand). Cytogenetic location: 2q31.2.
Variant type: single nucleotide variant.
Coding change: c.106915G>C on transcript NM_001267550.2 (MANE Select); coding-DNA position 106915, G replaced by C.
Protein change: p.Val35639Leu; replaces valine 35639 with leucine.
Molecular consequence: missense variant.
Genome position (GRCh38, 1-based): chr2:178,528,836, C>G on the plus strand (G>C on the coding strand, the complement: TTN is on the minus strand). VCF-style: chr2-178528836-C-G. GRCh37 (hg19) VCF-style: chr2-179393563-C-G.
Other names: c.101992G>C, p.Val33998Leu (NM_001256850.1); c.79720G>C, p.Val26574Leu (NM_003319.4); c.99211G>C, p.Val33071Leu (NM_133378.4); c.80095G>C, p.Val26699Leu (NM_133432.3); c.80296G>C, p.Val26766Leu (NM_133437.4); short protein forms V26699L, V26766L, V26574L, V33998L, V35639L, V33071L.
Identifiers: ClinVar variation 2935930 (VCV002935930.3), dbSNP rs557752216, ClinGen allele CA60950561.